The following is an entry in ClinVar:

NM_002861.5(PCYT2):c.537+311dup

Gene: PCYT2 (phosphate cytidylyltransferase 2, ethanolamine; minus strand). Cytogenetic location: 17q25.3.
Variant type: Duplication.
Coding change: c.537+311dup on transcript NM_002861.5 (MANE Select); 311 bases into the intron after coding-DNA position 537, one base duplicated (A; older notation c.537+311dupA).
Molecular consequence: intron variant. On other transcripts: frameshift variant (2).
Genome position (GRCh38, 1-based): chr17:81,907,243, T duplicated on the plus strand (A on the coding strand, the reverse complement: PCYT2 is on the minus strand). VCF-style (leftmost placement, unchanged base first): chr17-81907242-G-GT. GRCh37 (hg19) VCF-style: chr17-79865118-G-GT.
Other names: c.552dup, p.Pro185fs (NM_001184917.3); c.375dup, p.Pro126fs (NM_001256434.3); c.375+311dup (NM_001256433.3); c.537+311dup (NM_001330518.2); c.303+311dup (NM_001256435.3, NM_001282203.2); c.441+311dup (NM_001282204.2); short protein forms P126fs, P185fs.
Identifiers: ClinVar variation 1712594 (VCV001712594.3), dbSNP rs575751107, ClinGen allele CA8844321.

ClinVar aggregate classification (germline): Uncertain significance (1 of 4 stars; one submission).

Allele frequency attached by ClinVar (database versions not stated): ExAC 0.00032; 1000 Genomes Project 0.00100; gnomAD exomes 0.00009; gnomAD 0.00100; TOPMed 0.00111; 1000 Genomes Project 30x 0.00172.

Submission:

GeneDx
Classification: Uncertain significance. Last evaluated: 2026-04-10. Review status: criteria provided, single submitter. Criteria: GeneDx Variant Classification Process June 2021. Collection method: clinical testing. Allele origin: germline.
Comment: Frameshift variant predicted to result in protein truncation or nonsense mediated decay in a gene or region of a gene for which loss of function is not a well-established mechanism of disease; Has not been previously published as pathogenic or benign to our knowledge; Reported using an alternate transcript of the gene